The following is an entry in ClinVar:

ClinVar aggregate classification (germline): Uncertain significance (1 of 4 stars; one submission).

gnomAD v4.1: 55 of 1,613,812 alleles (0.0034%); highest among the groups gnomAD compares: Non-Finnish European, 0.0044%; no homozygotes.

Submission:

Women's Health and Genetics/Laboratory Corporation of America, LabCorp
Classification: Uncertain significance. Last evaluated: 2025-04-10. Review status: criteria provided, single submitter. Criteria: LabCorp Variant Classification Summary - May 2015. Collection method: clinical testing. Allele origin: germline.
Comment: Variant summary: RFX7 c.3871A>G (p.Thr1291Ala) results in a non-conservative amino acid change in the encoded protein sequence. Two of three in-silico tools predict a benign effect of the variant on protein function. The variant was absent in 249028 control chromosomes. The available data on variant occurrences in the general population are insufficient to allow any conclusion about variant significance. To our knowledge, no occurrence of c.3871A>G in individuals affected with Intellectual Developmental Disorder, Autosomal Dominant 71, With Behavioral Abnormalities and no experimental evidence demonstrating its impact on protein function have been reported. No submitters have cited clinical-significance assessments for this variant to ClinVar. Based on the evidence outlined above, the variant was classified as uncertain significance.

NM_022841.7(RFX7):c.3871A>G (p.Thr1291Ala)

Gene: RFX7 (regulatory factor X7; minus strand). Cytogenetic location: 15q21.3.
Variant type: single nucleotide variant.
Coding change: c.3871A>G on transcript NM_022841.7 (MANE Select); coding-DNA position 3871, A replaced by G.
Protein change: p.Thr1291Ala; replaces threonine 1291 with alanine.
Molecular consequence: missense variant.
Genome position (GRCh38, 1-based): chr15:56,093,857, T>C on the plus strand (A>G on the coding strand, the complement: RFX7 is on the minus strand). VCF-style: chr15-56093857-T-C. GRCh37 (hg19) VCF-style: chr15-56386055-T-C.
Other names: c.3580A>G, p.Thr1194Ala (NM_001368073.2, NM_001368074.1, NM_001370554.1); c.3871A>G, p.Thr1291Ala (NM_001370561.1); short protein forms T1194A, T1291A.
Identifiers: ClinVar variation 3896358 (VCV003896358.2).